The following is an entry in ClinVar:

NM_032119.4(ADGRV1):c.564G>C (p.Glu188Asp)

Gene: ADGRV1 (adhesion G protein-coupled receptor V1; plus strand). Cytogenetic location: 5q14.3.
Variant type: single nucleotide variant.
Coding change: c.564G>C on transcript NM_032119.4 (MANE Select); coding-DNA position 564, G replaced by C.
Protein change: p.Glu188Asp; replaces glutamic acid 188 with aspartic acid.
Molecular consequence: missense variant. On other transcripts: non-coding transcript variant (1).
Genome position (GRCh38, 1-based): chr5:90,625,135, G>C. VCF-style: chr5-90625135-G-C. GRCh37 (hg19) VCF-style: chr5-89920952-G-C.
Other names: short protein forms E188D.
Identifiers: ClinVar variation 235567 (VCV000235567.6), dbSNP rs377529304, ClinGen allele CA10581360.

ClinVar aggregate classification (germline): Uncertain significance. Review status: criteria provided, multiple submitters, no conflicts (2 of 4 stars). 2 submissions from 2 submitters: Uncertain significance (2). Last evaluated 2021-10-10.

Allele frequency attached by ClinVar (database versions not stated): TOPMed 0.00007.
gnomAD v4.1: 23 of 1,604,082 alleles (0.0014%); highest among the groups gnomAD compares: African/African-American, 0.025%; no homozygotes.

Submissions (2):

Labcorp Genetics (formerly Invitae), Labcorp
Classification: Uncertain significance. Last evaluated: 2021-10-10. Review status: criteria provided, single submitter. Criteria: Invitae Variant Classification Sherloc (09022015). Collection method: clinical testing. Allele origin: germline.
Comment: This sequence change replaces glutamic acid with aspartic acid at codon 188 of the ADGRV1 protein (p.Glu188Asp). The glutamic acid residue is weakly conserved and there is a small physicochemical difference between glutamic acid and aspartic acid. This variant is not present in population databases (ExAC no frequency). This variant has not been reported in the literature in individuals affected with ADGRV1-related conditions. ClinVar contains an entry for this variant (Variation ID: 235567). Algorithms developed to predict the effect of missense changes on protein structure and function are either unavailable or do not agree on the potential impact of this missense change (SIFT: "Tolerated"; PolyPhen-2: "Possibly Damaging"; Align-GVGD: "Class C0"). In summary, the available evidence is currently insufficient to determine the role of this variant in disease. Therefore, it has been classified as a Variant of Uncertain Significance.

Center for Pediatric Genomic Medicine, Children's Mercy Hospital and Clinics
Classification: Uncertain significance. Last evaluated: 2015-06-04. Review status: criteria provided, single submitter. Criteria: ACMG Guidelines, 2015. Collection method: clinical testing. Allele origin: germline.
ClinVar note: Converted during submission from Uncertain Significance to Uncertain significance.